The following is an entry in ClinVar:

NC_000015.9:g.(?_51739987)_(51914969_?)dup

Gene: DMXL2 (Dmx like 2; minus strand). Cytogenetic location: 15q21.2.
Variant type: Duplication.
Identifiers: ClinVar variation 4525781 (VCV004525781.1).

ClinVar aggregate classification (germline): Uncertain significance (1 of 4 stars; one submission).

Submission:

Women's Health and Genetics/Laboratory Corporation of America, LabCorp
Classification: Uncertain significance. Last evaluated: 2025-07-18. Review status: criteria provided, single submitter. Criteria: LabCorp Variant Classification Summary - May 2015. Collection method: clinical testing. Allele origin: germline.
Comment: Variant summary: The variant involves the duplication of exons 1-43 in the DMXL2 gene. A presumed nomenclature of c.(?_-227)_(*1194_?)dup has been designated for the purposes of this classification. This duplication includes the entire coding sequence of the gene. As exact breakpoints are unknown, it may extend beyond the annotated region of the gene, to include other flanking genes. The variant was absent in 21694 control chromosomes. The available data on variant occurrences in the general population are insufficient to allow any conclusion about variant significance. To our knowledge, no occurrence of c.(?_-227)_(*1194_?)dup in individuals affected with DMXL2-Related Disorders and no experimental evidence demonstrating its impact on protein function have been reported. No submitters have cited clinical-significance assessments for this variant to ClinVar. Based on the evidence outlined above, the variant was classified as uncertain significance.